The following is an entry in ClinVar:

ClinVar aggregate classification (germline): Pathogenic (1 of 4 stars; one submission).

Conditions:
Primary ciliary dyskinesia. Also called: Ciliary dyskinesia. Identifiers: Orphanet 244, MedGen C0008780, MONDO:0016575, HP:0012265.

Submission:

Labcorp Genetics (formerly Invitae), Labcorp
Classification: Pathogenic for Primary ciliary dyskinesia. Last evaluated: 2022-08-15. Review status: criteria provided, single submitter. Criteria: Invitae Variant Classification Sherloc (09022015). Collection method: clinical testing. Allele origin: germline.
Comment: For these reasons, this variant has been classified as Pathogenic. ClinVar contains an entry for this variant (Variation ID: 957646). This variant has not been reported in the literature in individuals affected with DNAH8-related conditions. This variant is not present in population databases (gnomAD no frequency). This sequence change creates a premature translational stop signal (p.Leu900*) in the DNAH8 gene. It is expected to result in an absent or disrupted protein product. Loss-of-function variants in DNAH8 are known to be pathogenic (PMID: 24307375, 32619401, 32681648).

Literature cited by the submitters: PubMed 24307375; PubMed 32619401; PubMed 32681648.

NM_001206927.2(DNAH8):c.2699T>A (p.Leu900Ter)

Gene: DNAH8 (dynein axonemal heavy chain 8; plus strand). Cytogenetic location: 6p21.2.
Variant type: single nucleotide variant.
Coding change: c.2699T>A on transcript NM_001206927.2 (MANE Select); coding-DNA position 2699, T replaced by A.
Protein change: p.Leu900Ter; replaces leucine 900 with a stop codon.
Molecular consequence: nonsense.
Genome position (GRCh38, 1-based): chr6:38,790,323, T>A. VCF-style: chr6-38790323-T-A. GRCh37 (hg19) VCF-style: chr6-38758099-T-A.
Other names: c.2048T>A, p.Leu683Ter (NM_001371.4); short protein forms L900*, L683*.
Identifiers: ClinVar variation 957646 (VCV000957646.8), dbSNP rs1769605097, ClinGen allele CA363990767.